The following is an entry in ClinVar:

ClinVar aggregate classification (germline): Uncertain significance. Review status: reviewed by expert panel (3 of 4 stars). 2 submissions from 2 submitters: Uncertain significance (1). 1 of the submissions does not count toward it. Last evaluated 2024-10-29.

Conditions:
Hereditary thrombocytopenia and hematological cancer predisposition syndrome associated with RUNX1. Also called: Familial Platelet Disorder with Propensity to Acute Myelogenous Leukemia; Familial thrombocytopenia with propensity to acute myelogenous leukemia; PLATELET DISORDER, ASPIRIN-LIKE; RUNX1 Familial Platelet Disorder with Associated Myeloid Malignancies. Identifiers: Orphanet 71290, MedGen C1832388, MeSH C563324, MONDO:0100083, OMIM 601399.
Hereditary thrombocytopenia and hematologic cancer predisposition syndrome. Identifiers: Orphanet 71290, MedGen CN281654, MONDO:0011071.

Submissions (2):

ClinGen Myeloid Malignancy Variant Curation Expert Panel
Classification: Uncertain significance for Hereditary thrombocytopenia and hematologic cancer predisposition syndrome. Last evaluated: 2024-10-29. Review status: reviewed by expert panel. Criteria: ClinGen MyeloMalig ACMG Specifications v2. Collection method: curation. Allele origin: germline. Inheritance: Autosomal dominant inheritance.
Comment: NM_001754.5(RUNX1):c.1145C>G (p.Pro382Arg) is a missense variant which is absent from all population databases, including gnomAD v2.1.1 and gnomAD v3.1.2, both of which provide coverage of at least 20x for the RUNX1 gene at this genomic position (PM2_supporting). This missense variant has a REVEL score >0.88 (0.942) (PP3). To our knowledge, this variant has not been reported before, and there are no other pathogenic or likely pathogenic amino acid changes affecting the same residue. In summary, the clinical significance of this variant is uncertain. ACMG/AMP criteria applied, as specified by the Myeloid Malignancy Variant Curation Expert Panel for RUNX1: PM2_supporting, PP3.

Labcorp Genetics (formerly Invitae), Labcorp
Classification: Uncertain significance for Hereditary thrombocytopenia and hematological cancer predisposition syndrome associated with RUNX1. Last evaluated: 2021-08-12. Review status: criteria provided, single submitter. Criteria: Invitae Variant Classification Sherloc (09022015). Collection method: clinical testing. Allele origin: germline. Not counted in ClinVar's aggregate classification.
Comment: In summary, the available evidence is currently insufficient to determine the role of this variant in disease. Therefore, it has been classified as a Variant of Uncertain Significance. Algorithms developed to predict the effect of missense changes on protein structure and function (SIFT, PolyPhen-2, Align-GVGD) all suggest that this variant is likely to be tolerated. This variant has not been reported in the literature in individuals affected with RUNX1-related conditions. This variant is not present in population databases (ExAC no frequency). This sequence change replaces proline with arginine at codon 382 of the RUNX1 protein (p.Pro382Arg). The proline residue is highly conserved and there is a moderate physicochemical difference between proline and arginine.

NM_001754.5(RUNX1):c.1145C>G (p.Pro382Arg)

Gene: RUNX1 (RUNX family transcription factor 1; minus strand). Cytogenetic location: 21q22.12.
Variant type: single nucleotide variant.
Coding change: c.1145C>G on transcript NM_001754.5 (MANE Select); coding-DNA position 1145, C replaced by G.
Protein change: p.Pro382Arg; replaces proline 382 with arginine.
Molecular consequence: missense variant.
Genome position (GRCh38, 1-based): chr21:34,792,433, G>C on the plus strand (C>G on the coding strand, the complement: RUNX1 is on the minus strand). VCF-style: chr21-34792433-G-C. GRCh37 (hg19) VCF-style: chr21-36164730-G-C.
Other names: NM_001754.5(RUNX1):c.1145C>G; p.Pro382Arg; c.1064C>G, p.Pro355Arg (NM_001001890.3); short protein forms P355R, P382R.
Identifiers: ClinVar variation 1397177 (VCV001397177.7), dbSNP rs2145876238, ClinGen allele CA410147964.